The following is an entry in ClinVar:

ClinVar aggregate classification (germline): Uncertain significance (1 of 4 stars; one submission).

Conditions:
Emery-Dreifuss muscular dystrophy 5, autosomal dominant (EDMD5). Also called: EMERY-DREIFUSS MUSCULAR DYSTROPHY 5. Identifiers: Orphanet 261, MedGen C2751805, MONDO:0013072, OMIM 612999.

Allele frequency attached by ClinVar (database versions not stated): ExAC 0.00001; gnomAD 0.00001.
gnomAD v4.1: 74 of 1,613,862 alleles (0.0046%); highest among the groups gnomAD compares: Non-Finnish European, 0.0059%; no homozygotes.

Submission:

Labcorp Genetics (formerly Invitae), Labcorp
Classification: Uncertain significance for Emery-Dreifuss muscular dystrophy 5, autosomal dominant. Last evaluated: 2025-06-10. Review status: criteria provided, single submitter. Criteria: Invitae Variant Classification Sherloc (09022015). Collection method: clinical testing. Allele origin: germline.
Comment: This sequence change replaces glutamic acid, which is acidic and polar, with valine, which is neutral and non-polar, at codon 4100 of the SYNE2 protein (p.Glu4100Val). This variant is present in population databases (rs779963258, gnomAD 0.007%). This variant has not been reported in the literature in individuals affected with SYNE2-related conditions. ClinVar contains an entry for this variant (Variation ID: 2862355). An algorithm developed to predict the effect of missense changes on protein structure and function (PolyPhen-2) suggests that this variant is likely to be disruptive. In summary, the available evidence is currently insufficient to determine the role of this variant in disease. Therefore, it has been classified as a Variant of Uncertain Significance.

NM_182914.3(SYNE2):c.12299A>T (p.Glu4100Val)

Gene: SYNE2 (spectrin repeat containing nuclear envelope protein 2; plus strand). Cytogenetic location: 14q23.2.
Variant type: single nucleotide variant.
Coding change: c.12299A>T on transcript NM_182914.3 (MANE Select); coding-DNA position 12299, A replaced by T.
Protein change: p.Glu4100Val; replaces glutamic acid 4100 with valine.
Molecular consequence: missense variant.
Genome position (GRCh38, 1-based): chr14:64,098,139, A>T. VCF-style: chr14-64098139-A-T. GRCh37 (hg19) VCF-style: chr14-64564857-A-T.
Other names: c.12299A>T, p.Glu4100Val (NM_015180.6); short protein forms E4100V.
Identifiers: ClinVar variation 2862355 (VCV002862355.3), dbSNP rs779963258, ClinGen allele CA7222060.
Genomic context (GRCh38, chr14:64,098,139, plus strand): 5'-GAGATAGGCTGCCAGCTGTAACATCAGAGGAAGGTGGAGTGGCAGAGAGGGATGCTTCTG[A>T]GCGGAAGGTGGGTATGACTTTAGGTTAATGCTGGCCCCACACTCCACAAGAGCATTAATG-3'
Protein context (NP_878918.2, residues 4090-4110): EGGVAERDAS[Glu4100Val]RKLNRRGSMS